The following is an entry in ClinVar:

ClinVar aggregate classification (germline): Likely benign (1 of 4 stars; one submission).

Submission:

CeGaT Center for Human Genetics Tuebingen
Classification: Likely benign. Last evaluated: 2025-06-01. Review status: criteria provided, single submitter. Criteria: CeGaT Center For Human Genetics Tuebingen Variant Classification Criteria Version 2. Collection method: clinical testing. Allele origin: germline. Affected: yes. Observed: 1 variant allele.
Comment: FCHO1: PM2:Supporting, BP4, BP7

NM_015122.3(FCHO1):c.2093+168C>T

Gene: FCHO1 (FCH and mu domain containing endocytic adaptor 1; plus strand). Cytogenetic location: 19p13.11.
Variant type: single nucleotide variant.
Coding change: c.2093+168C>T on transcript NM_015122.3 (MANE Select); 168 bases into the intron after coding-DNA position 2093, C replaced by T.
Molecular consequence: intron variant.
Genome position (GRCh38, 1-based): chr19:17,783,340, C>T. VCF-style: chr19-17783340-C-T. GRCh37 (hg19) VCF-style: chr19-17894149-C-T.
Other names: c.2093+168C>T (NM_001384370.1, NM_001384376.1, NM_001384375.1 and 13 more transcripts); c.1817+168C>T (NM_001384396.1, NM_001384404.1, NM_001384398.1 and 5 more transcripts); c.2018+168C>T (NM_001384390.1); c.1667+168C>T (NM_001384406.1); c.1523+168C>T (NM_001384407.1); c.1976+168C>T (NM_001384393.1, NM_001384394.1, NM_001384392.1 and 1 more transcripts); c.1772+168C>T (NM_001384403.1); c.2054+168C>T (NM_001384388.1, NM_001384405.1, NM_001384389.1); and 1 more.
Identifiers: ClinVar variation 3905970 (VCV003905970.10).